The following is an entry in ClinVar:

ClinVar aggregate classification (germline): Uncertain significance (1 of 4 stars; one submission).

Conditions:
Epidermolysis bullosa simplex with nail dystrophy (EBS5D). Identifiers: MedGen C4225309, MONDO:0014661, OMIM 616487.
Autosomal recessive limb-girdle muscular dystrophy type 2Q (LGMDR17). Also called: MUSCULAR DYSTROPHY, LIMB-GIRDLE, AUTOSOMAL RECESSIVE 17. Identifiers: Orphanet 254361, MedGen C3150989, MONDO:0013390, OMIM 613723.
Epidermolysis bullosa simplex 5C, with pyloric atresia (EBS5C). Also called: PLEC1-Related Epidermolysis Bullosa with Pyloric Atresia; PLEC-Related Epidermolysis Bullosa with Pyloric Atresia; Epidermolysis bullosa simplex with pyloric atresia. Identifiers: Orphanet 158684, MedGen C2677349, MONDO:0012807, OMIM 612138.
Epidermolysis bullosa simplex 5B, with muscular dystrophy (EBS5B). Also called: Epidermolysis bullosa simplex with muscular dystrophy; EPIDERMOLYSIS BULLOSA SIMPLEX AND LIMB-GIRDLE MUSCULAR DYSTROPHY. Identifiers: Orphanet 257, MedGen C2931072, MONDO:0009181, OMIM 226670.
Epidermolysis bullosa simplex, Ogna type (EBS5A). Also called: EPIDERMOLYSIS BULLOSA SIMPLEX 5A, OGNA TYPE; Pidermolysis bullosa simplex 5A, Ogna type. Identifiers: Orphanet 79401, MedGen C0432317, MONDO:0007555, OMIM 131950.

Submission:

Labcorp Genetics (formerly Invitae), Labcorp
Classification: Uncertain significance for Autosomal recessive limb-girdle muscular dystrophy type 2Q; Epidermolysis bullosa simplex, Ogna type; Epidermolysis bullosa simplex with nail dystrophy; Epidermolysis bullosa simplex 5C, with pyloric atresia; Epidermolysis bullosa simplex 5B, with muscular dystrophy. Last evaluated: 2023-11-13. Review status: criteria provided, single submitter. Criteria: Invitae Variant Classification Sherloc (09022015). Collection method: clinical testing. Allele origin: germline.
Comment: This sequence change replaces leucine, which is neutral and non-polar, with proline, which is neutral and non-polar, at codon 3751 of the PLEC protein (p.Leu3751Pro). This variant is not present in population databases (gnomAD no frequency). This variant has not been reported in the literature in individuals affected with PLEC-related conditions. An algorithm developed to predict the effect of missense changes on protein structure and function (PolyPhen-2) suggests that this variant is likely to be disruptive. In summary, the available evidence is currently insufficient to determine the role of this variant in disease. Therefore, it has been classified as a Variant of Uncertain Significance.

NM_201384.3(PLEC):c.11171T>C (p.Leu3724Pro)

Gene: PLEC (plectin; minus strand). Cytogenetic location: 8q24.3.
Variant type: single nucleotide variant.
Coding change: c.11171T>C on transcript NM_201384.3 (MANE Select); coding-DNA position 11171, T replaced by C.
Protein change: p.Leu3724Pro; replaces leucine 3724 with proline.
Molecular consequence: missense variant.
Genome position (GRCh38, 1-based): chr8:143,918,650, A>G on the plus strand (T>C on the coding strand, the complement: PLEC is on the minus strand). VCF-style: chr8-143918650-A-G. GRCh37 (hg19) VCF-style: chr8-144992818-A-G.
Other names: c.11252T>C, p.Leu3751Pro (NM_000445.5); c.7871T>C, p.Leu2624Pro (NM_001410941.1); c.11129T>C, p.Leu3710Pro (NM_201378.4); c.11105T>C, p.Leu3702Pro (NM_201379.3); c.11582T>C, p.Leu3861Pro (NM_201380.4); c.11075T>C, p.Leu3692Pro (NM_201381.3); c.11171T>C, p.Leu3724Pro (NM_201382.4); c.11183T>C, p.Leu3728Pro (NM_201383.3); short protein forms L2624P, L3724P, L3692P, L3861P, L3702P, L3728P, L3751P, L3710P.
Identifiers: ClinVar variation 2953657 (VCV002953657.3), dbSNP rs1586785341, ClinGen allele CA372494060.